The following is an entry in ClinVar:

ClinVar aggregate classification (germline): Uncertain significance (1 of 4 stars; one submission).

Allele frequency attached by ClinVar (database versions not stated): gnomAD exomes below 0.00001; gnomAD 0.00001; ExAC 0.00002.
gnomAD v4.1: 3 of 1,613,794 alleles (0.00019%); highest among the groups gnomAD compares: Admixed American, 0.005%; no homozygotes.

Submission:

Labcorp Genetics (formerly Invitae), Labcorp
Classification: Uncertain significance. Last evaluated: 2022-04-06. Review status: criteria provided, single submitter. Criteria: Invitae Variant Classification Sherloc (09022015). Collection method: clinical testing. Allele origin: germline.
Comment: This sequence change replaces isoleucine, which is neutral and non-polar, with valine, which is neutral and non-polar, at codon 255 of the CHRNA3 protein (p.Ile255Val). This variant is present in population databases (rs759677807, gnomAD 0.01%). This variant has not been reported in the literature in individuals affected with CHRNA3-related conditions. Algorithms developed to predict the effect of missense changes on protein structure and function (SIFT, PolyPhen-2, Align-GVGD) all suggest that this variant is likely to be disruptive. In summary, the available evidence is currently insufficient to determine the role of this variant in disease. Therefore, it has been classified as a Variant of Uncertain Significance.

NM_000743.5(CHRNA3):c.763A>G (p.Ile255Val)

Gene: CHRNA3 (cholinergic receptor nicotinic alpha 3 subunit; minus strand). Cytogenetic location: 15q25.1.
Variant type: single nucleotide variant.
Coding change: c.763A>G on transcript NM_000743.5 (MANE Select); coding-DNA position 763, A replaced by G.
Protein change: p.Ile255Val; replaces isoleucine 255 with valine.
Molecular consequence: missense variant. On other transcripts: non-coding transcript variant (1).
Genome position (GRCh38, 1-based): chr15:78,601,879, T>C on the plus strand (A>G on the coding strand, the complement: CHRNA3 is on the minus strand). VCF-style: chr15-78601879-T-C. GRCh37 (hg19) VCF-style: chr15-78894221-T-C.
Other names: c.763A>G, p.Ile255Val (NM_001166694.2); short protein forms I255V.
Identifiers: ClinVar variation 1974556 (VCV001974556.3), dbSNP rs759677807, ClinGen allele CA7684401.